The following is an entry in ClinVar:

ClinVar aggregate classification (germline): Uncertain significance. Review status: criteria provided, multiple submitters, no conflicts (2 of 4 stars). 2 submissions from 2 submitters: Uncertain significance (2). Last evaluated 2024-05-06.

Allele frequency attached by ClinVar (database versions not stated): gnomAD 0.00002; ExAC 0.00007; TOPMed 0.00008.

Submissions (2):

Labcorp Genetics (formerly Invitae), Labcorp
Classification: Uncertain significance. Last evaluated: 2024-05-06. Review status: criteria provided, single submitter. Criteria: Invitae Variant Classification Sherloc (09022015). Collection method: clinical testing. Allele origin: germline.
Comment: This sequence change replaces arginine, which is basic and polar, with histidine, which is basic and polar, at codon 179 of the IL11RA protein (p.Arg179His). This variant is present in population databases (rs753271645, gnomAD 0.04%). This variant has not been reported in the literature in individuals affected with IL11RA-related conditions. ClinVar contains an entry for this variant (Variation ID: 2060291). Advanced modeling of protein sequence and biophysical properties (such as structural, functional, and spatial information, amino acid conservation, physicochemical variation, residue mobility, and thermodynamic stability) performed at Invitae indicates that this missense variant is not expected to disrupt IL11RA protein function with a negative predictive value of 80%. In summary, the available evidence is currently insufficient to determine the role of this variant in disease. Therefore, it has been classified as a Variant of Uncertain Significance.

Breakthrough Genomics
Classification: Uncertain significance. Review status: criteria provided, single submitter. Criteria: ACMG Guidelines, 2015. Collection method: not provided. Allele origin: germline. Inheritance: Autosomal recessive inheritance. Affected: yes.

NM_001142784.3(IL11RA):c.536G>A (p.Arg179His)

Gene: IL11RA (interleukin 11 receptor subunit alpha; plus strand). Cytogenetic location: 9p13.3.
Variant type: single nucleotide variant.
Coding change: c.536G>A on transcript NM_001142784.3 (MANE Select); coding-DNA position 536, G replaced by A.
Protein change: p.Arg179His; replaces arginine 179 with histidine.
Molecular consequence: missense variant. On other transcripts: non-coding transcript variant (1).
Genome position (GRCh38, 1-based): chr9:34,657,477, G>A. VCF-style: chr9-34657477-G-A. GRCh37 (hg19) VCF-style: chr9-34657474-G-A.
Other names: short protein forms R179H.
Identifiers: ClinVar variation 2060291 (VCV002060291.4), dbSNP rs753271645, ClinGen allele CA5036514.